The following is an entry in ClinVar:

ClinVar aggregate classification (germline): Uncertain significance. Review status: criteria provided, multiple submitters, no conflicts (2 of 4 stars). 4 submissions from 4 submitters: Uncertain significance (4). Last evaluated 2025-11-11.

Conditions:
Dilated cardiomyopathy 1G (CMD1G). Identifiers: Orphanet 154, MedGen C1858763, MONDO:0011400, OMIM 604145.
Autosomal recessive limb-girdle muscular dystrophy type 2J (LGMDR10). Also called: MUSCULAR DYSTROPHY, LIMB-GIRDLE, AUTOSOMAL RECESSIVE 10; Limb-girdle muscular dystrophy, type 2J. Identifiers: Orphanet 140922, MedGen C1837342, MONDO:0012127, OMIM 608807.
TTN-related disorder. Also called: TTN-related condition; TTN-related disease; TTN-related disorders.

gnomAD v4.1: 3 of 1,613,734 alleles (0.00019%); highest among the groups gnomAD compares: African/African-American, 0.0027%; no homozygotes.

Submissions (4):

PreventionGenetics, part of Exact Sciences
Classification: Uncertain significance for TTN-related condition. Last evaluated: 2025-11-11. Review status: criteria provided, single submitter. Criteria: ACMG Guidelines, 2015. Collection method: clinical testing. Allele origin: germline.
Comment: The TTN c.23305G>A variant is predicted to result in the amino acid substitution p.Val7769Ile. To our knowledge, this variant has not been reported in the literature or in a large population database (gnomAD), indicating this variant is rare. At this time, the clinical significance of this variant is uncertain due to the absence of conclusive functional and genetic evidence.

Blueprint Genetics
Classification: Uncertain significance. Last evaluated: 2023-05-24. Review status: criteria provided, single submitter. Criteria: ACMG Guidelines, 2015. Collection method: clinical testing. Allele origin: germline.

Revvity Omics, Revvity
Classification: Uncertain significance. Last evaluated: 2019-07-08. Review status: criteria provided, single submitter. Criteria: ACMG Guidelines, 2015. Collection method: clinical testing. Allele origin: germline.

Labcorp Genetics (formerly Invitae), Labcorp
Classification: Uncertain significance for Dilated cardiomyopathy 1G; Autosomal recessive limb-girdle muscular dystrophy type 2J. Last evaluated: 2018-01-03. Review status: criteria provided, single submitter. Criteria: Invitae Variant Classification Sherloc (09022015). Collection method: clinical testing. Allele origin: germline.

NM_001267550.2(TTN):c.23305G>A (p.Val7769Ile)

Gene: TTN (titin; minus strand). Cytogenetic location: 2q31.2.
Variant type: single nucleotide variant.
Coding change: c.23305G>A on transcript NM_001267550.2 (MANE Select); coding-DNA position 23305, G replaced by A.
Protein change: p.Val7769Ile; replaces valine 7769 with isoleucine.
Molecular consequence: missense variant. On other transcripts: intron variant (3).
Genome position (GRCh38, 1-based): chr2:178,720,457, C>T on the plus strand (G>A on the coding strand, the complement: TTN is on the minus strand). VCF-style: chr2-178720457-C-T. GRCh37 (hg19) VCF-style: chr2-179585184-C-T.
Other names: c.22354G>A, p.Val7452Ile (NM_001256850.1); c.19573G>A, p.Val6525Ile (NM_133378.4); c.13282+17625G>A (NM_003319.4); c.13858+17625G>A (NM_133437.4); c.13657+17625G>A (NM_133432.3); short protein forms V7769I, V6525I, V7452I.
Identifiers: ClinVar variation 535630 (VCV000535630.8), dbSNP rs1553907172, ClinGen allele CA349514045.